The following is an entry in ClinVar:

ClinVar aggregate classification (germline): Likely benign. Review status: criteria provided, single submitter (1 of 4 stars). 2 submissions from 2 submitters: Likely benign (1). 1 of the submissions does not count toward it. Last evaluated 2025-12-23.

Conditions:
Microphthalmia, syndromic 11 (MCOPS11). Identifiers: MedGen C3553077, MONDO:0013734, OMIM 614402.
VAX1-related disorder. Also called: VAX1-related condition.

Allele frequency attached by ClinVar (database versions not stated): 1000 Genomes Project 0.00040; 1000 Genomes Project 30x 0.00047; gnomAD 0.00053; TOPMed 0.00070; gnomAD exomes 0.00002.

Submissions (2):

Labcorp Genetics (formerly Invitae), Labcorp
Classification: Likely benign for Microphthalmia, syndromic 11. Last evaluated: 2025-12-23. Review status: criteria provided, single submitter. Criteria: Invitae Variant Classification Sherloc (09022015). Collection method: clinical testing. Allele origin: germline.

PreventionGenetics, part of Exact Sciences
Classification: Likely benign for VAX1-related condition. Last evaluated: 2024-05-20. Review status: no assertion criteria provided. Collection method: clinical testing. Allele origin: germline. Not counted in ClinVar's aggregate classification.
Comment: This variant is classified as likely benign based on ACMG/AMP sequence variant interpretation guidelines (Richards et al. 2015 PMID: 25741868, with internal and published modifications).

NM_001112704.2(VAX1):c.714C>T (p.Gly238=)

Gene: VAX1 (ventral anterior homeobox 1; minus strand). Cytogenetic location: 10q25.3.
Variant type: single nucleotide variant.
Coding change: c.714C>T on transcript NM_001112704.2 (MANE Select); coding-DNA position 714, C replaced by T.
Protein change: p.Gly238=; no amino-acid change (glycine 238 retained).
Molecular consequence: synonymous variant. On other transcripts: intron variant (1).
Genome position (GRCh38, 1-based): chr10:117,134,299, G>A on the plus strand (C>T on the coding strand, the complement: VAX1 is on the minus strand). VCF-style: chr10-117134299-G-A. GRCh37 (hg19) VCF-style: chr10-118893810-G-A.
Other names: c.430-1822C>T (NM_199131.3); c.714C>T (NM_001112704.1).
Identifiers: ClinVar variation 2852081 (VCV002852081.4), dbSNP rs551938880, ClinGen allele CA5709673.